The following is an entry in ClinVar:

ClinVar aggregate classification (germline): Pathogenic (1 of 4 stars; one submission).

Conditions:
ERCC2-related disorder. Also called: ERCC2-related conditions; ERCC2-related condition; ERCC2-related disorders. Identifiers: MedGen CN239291.

Submission:

Myriad Genetics, Inc.
Classification: Pathogenic for ERCC2-related disorder. Last evaluated: 2025-09-17. Review status: criteria provided, single submitter. Criteria: Myriad Autosomal Dominant, Autosomal Recessive and X-Linked Classification Criteria (2023). Collection method: clinical testing. Allele origin: unknown.
Comment: NM_000400.3(ERCC2):c.508dupC(L170Pfs*10) is expected to be pathogenic in the context of ERCC2-related disorders. This variant is predicted to lead to an abnormal or absent protein product due to the creation of a premature termination codon in ERCC2, a gene where loss-of-function variants are known to be pathogenic. Please note: this variant was assessed in the context of healthy population screening.

NM_000400.4(ERCC2):c.508dup (p.Leu170fs)

Gene: ERCC2 (ERCC excision repair 2, TFIIH core complex helicase subunit; minus strand). Cytogenetic location: 19q13.32.
Variant type: Duplication.
Coding change: c.508dup on transcript NM_000400.4 (MANE Select); coding-DNA position 508, one base duplicated (C; older notation c.508dupC).
Protein change: p.Leu170fs; shifts the reading frame from leucine 170.
Molecular consequence: frameshift variant. On other transcripts: non-coding transcript variant (3).
Genome position (GRCh38, 1-based): chr19:45,364,924, G duplicated on the plus strand (C on the coding strand, the reverse complement: ERCC2 is on the minus strand); the first of 4 consecutive G bases (chr19:45,364,924-45,364,927); duplicating any one gives the same sequence. VCF-style (leftmost placement, unchanged base first): chr19-45364923-A-AG. GRCh37 (hg19) VCF-style: chr19-45868181-A-AG.
Other names: c.436dup, p.Leu146fs (NM_001130867.2, NM_001440355.1); c.430dup, p.Leu144fs (NM_001440356.1); c.385dup, p.Leu129fs (NM_001440357.1); short protein forms L129fs, L144fs, L146fs, L170fs.
Identifiers: ClinVar variation 5014987 (VCV005014987.1).
Genomic context (GRCh38, chr19:45,364,923, plus strand): 5'-CACCAGCCCTGGCGCCGCCCCAGGGCCTTCAGGTCATCCAGGTTGTAGATGCCAGCGGGG[A>AG]GGGGCACCTCACGCCCATGGGCATCAAATTCCTGGGACAAGAGTGCCAGGGGTCAGGGAG-3'